The following is an entry in ClinVar:

NM_133261.3(GIPC3):c.706-3dup

Gene: GIPC3 (GIPC PDZ domain containing family member 3; plus strand). Cytogenetic location: 19p13.3.
Variant type: Duplication.
Coding change: c.706-3dup on transcript NM_133261.3 (MANE Select); 3 bases into the intron before coding-DNA position 706, one base duplicated (C; older notation c.706-3dupC).
Molecular consequence: intron variant.
Genome position (GRCh38, 1-based): chr19:3,589,828, C duplicated; the last of 5 consecutive C bases (chr19:3,589,824-3,589,828); duplicating any one gives the same sequence. VCF-style (leftmost placement, unchanged base first): chr19-3589823-G-GC. GRCh37 (hg19) VCF-style: chr19-3589821-G-GC.
Other names: c.706-3dup (NM_133261.2).
Identifiers: ClinVar variation 773897 (VCV000773897.16), dbSNP rs200925508, ClinGen allele CA9080526.

ClinVar aggregate classification (germline): Benign/Likely benign. Review status: criteria provided, multiple submitters, no conflicts (2 of 4 stars). 5 submissions from 5 submitters: Benign (2); Likely benign (2). 1 of the submissions does not count toward it. Last evaluated 2026-01-20.

Conditions:
Autosomal recessive nonsyndromic hearing loss 15. Also called: DEAFNESS, AUTOSOMAL RECESSIVE 15; DEAFNESS, AUTOSOMAL RECESSIVE 72; DEAFNESS, AUTOSOMAL RECESSIVE 95. Identifiers: Orphanet 90636, MedGen C1866094, MONDO:0011160, OMIM 601869.
GIPC3-related disorder. Also called: GIPC3-related condition.

Submissions (5):

Labcorp Genetics (formerly Invitae), Labcorp
Classification: Benign. Last evaluated: 2026-01-20. Review status: criteria provided, single submitter. Criteria: Invitae Variant Classification Sherloc (09022015). Collection method: clinical testing. Allele origin: germline.

Blueprint Genetics
Classification: Likely benign. Last evaluated: 2024-10-04. Review status: criteria provided, single submitter. Criteria: ACMG Guidelines, 2015. Collection method: clinical testing. Allele origin: germline.

Fulgent Genetics
Classification: Likely benign for Autosomal recessive nonsyndromic hearing loss 15. Last evaluated: 2022-01-18. Review status: criteria provided, single submitter. Criteria: ACMG Guidelines, 2015. Collection method: clinical testing. Allele origin: unknown.

GeneDx
Classification: Benign. Last evaluated: 2019-11-15. Review status: criteria provided, single submitter. Criteria: GeneDx Variant Classification Process June 2021. Collection method: clinical testing. Allele origin: germline. Affected: yes.

PreventionGenetics, part of Exact Sciences
Classification: Likely benign for GIPC3-related condition. Last evaluated: 2021-04-15. Review status: no assertion criteria provided. Collection method: clinical testing. Allele origin: germline. Not counted in ClinVar's aggregate classification.
Comment: This variant is classified as likely benign based on ACMG/AMP sequence variant interpretation guidelines (Richards et al. 2015 PMID: 25741868, with internal and published modifications).